The following is an entry in ClinVar:

NM_198253.3(TERT):c.2287G>T (p.Val763Phe)

Gene: TERT (telomerase reverse transcriptase; minus strand). Cytogenetic location: 5p15.33.
Variant type: single nucleotide variant.
Coding change: c.2287G>T on transcript NM_198253.3 (MANE Select); coding-DNA position 2287, G replaced by T.
Protein change: p.Val763Phe; replaces valine 763 with phenylalanine.
Molecular consequence: missense variant.
Genome position (GRCh38, 1-based): chr5:1,272,280, C>A on the plus strand (G>T on the coding strand, the complement: TERT is on the minus strand). VCF-style: chr5-1272280-C-A. GRCh37 (hg19) VCF-style: chr5-1272395-C-A.
Other names: c.2287G>T, p.Val763Phe (NM_001193376.3, NM_003219.1); short protein forms V763F.
Identifiers: ClinVar variation 3238549 (VCV003238549.1), dbSNP rs1561197688.
Genomic context (GRCh38, chr5:1,272,280, plus strand): 5'-TCTCCTGCAGGTGAGCCACGAACTGTCGCATGTACGGCTGGAGGTCTGTCAAGGTAGAGA[C>A]CTGCCGGCAGAGGAGAGGGCATGAGCCACAAATGTGGCCTGCCCCGGCCAGAGCTGGGCA-3'
Protein context (NP_937983.2, residues 753-773): GHVRKAFKSH[Val763Phe]STLTDLQPYM

ClinVar aggregate classification (germline): Uncertain significance (1 of 4 stars; one submission).

Conditions:
Dyskeratosis congenita. Identifiers: Orphanet 1775, MedGen C0265965, MONDO:0015780.

Submission:

Ambry Genetics
Classification: Uncertain significance for Dyskeratosis congenita. Last evaluated: 2023-10-19. Review status: criteria provided, single submitter. Criteria: Ambry Variant Classification Scheme 2023. Collection method: clinical testing. Allele origin: germline.
Comment: The p.V763F variant (also known as c.2287G>T) is located in coding exon 7 of the TERT gene. The valine at codon 763 is replaced by phenylalanine, an amino acid with highly similar properties. This change occurs in the first base pair of coding exon 7. This amino acid position is conserved. In addition, this alteration is predicted to be deleterious by in silico analysis. Since supporting evidence is limited at this time, the clinical significance of this alteration remains unclear.